The following is an entry in ClinVar:

ClinVar aggregate classification (germline): Pathogenic (1 of 4 stars; one submission).

Conditions:
Hypogonadotropic hypogonadism 1 with or without anosmia (HH1). Also called: HYPOGONADOTROPIC HYPOGONADISM 1 WITH ANOSMIA; KAL1-Related GnRH Deficiency (Kallmann Syndrome 1; Kallmann Syndrome, X-Linked); Hypogonadotropic hypogonadism 1 with or without anosmia (Kallmann syndrome 1); HYPOGONADOTROPIC HYPOGONADISM AND ANOSMIA; Kallmann syndrome, type 1, X-linked; DYSPLASIA OLFACTOGENITALIS OF DE MORSIER. Identifiers: Orphanet 478, MedGen C1563719, MONDO:0010635, OMIM 308700. Disease mechanism: loss of function.

Submission:

Labcorp Genetics (formerly Invitae), Labcorp
Classification: Pathogenic for Hypogonadotropic hypogonadism 1 with or without anosmia. Last evaluated: 2020-02-27. Review status: criteria provided, single submitter. Criteria: Invitae Variant Classification Sherloc (09022015). Collection method: clinical testing. Allele origin: germline.
Comment: This nonsense change has been reported in the literature in individuals with Kallmann Syndrome (PMID: 11044805). For these reasons, this variant has been classified as Pathogenic. Loss-of-function variants in ANOS1 are known to be pathogenic (PMID: 8504298, 11297579). This variant is not present in population databases (ExAC no frequency). This sequence change creates a premature translational stop signal (p.Arg631*) in the ANOS1 gene. It is expected to result in an absent or disrupted protein product.

Literature cited by the submitters: PubMed 11044805; PubMed 8504298; PubMed 11297579.

NM_000216.4(ANOS1):c.1890_1891delinsTT (p.Arg631Ter)

Gene: ANOS1 (anosmin 1; minus strand). Cytogenetic location: Xp22.31.
Variant type: Indel.
Coding change: c.1890_1891delinsTT on transcript NM_000216.4 (MANE Select); coding-DNA positions 1890 to 1891, CC replaced by TT.
Protein change: p.Arg631Ter; replaces arginine 631 with a stop codon.
Molecular consequence: nonsense.
Genome position (GRCh38, 1-based): chrX:8,534,412-8,534,413, GG replaced by AA on the plus strand (CC replaced by TT on the coding strand, the reverse complement: ANOS1 is on the minus strand). VCF-style: chrX-8534412-GG-AA. GRCh37 (hg19) VCF-style: chrX-8502453-GG-AA.
Other names: short protein forms R631*.
Identifiers: ClinVar variation 1069737 (VCV001069737.9), dbSNP rs2146785767, ClinGen allele CA2499226893.